The following is an entry in ClinVar:

NM_004628.5(XPC):c.1552G>A (p.Glu518Lys)

Gene: XPC (XPC complex subunit, DNA damage recognition and repair factor; minus strand). Cytogenetic location: 3p25.1.
Variant type: single nucleotide variant.
Coding change: c.1552G>A on transcript NM_004628.5 (MANE Select); coding-DNA position 1552, G replaced by A.
Protein change: p.Glu518Lys; replaces glutamic acid 518 with lysine.
Molecular consequence: missense variant. On other transcripts: non-coding transcript variant (2).
Genome position (GRCh38, 1-based): chr3:14,158,331, C>T on the plus strand (G>A on the coding strand, the complement: XPC is on the minus strand). VCF-style: chr3-14158331-C-T. GRCh37 (hg19) VCF-style: chr3-14199831-C-T.
Other names: c.973G>A, p.Glu325Lys (NM_001354726.2); c.1552G>A, p.Glu518Lys (NM_001354727.2, NM_001354730.2); c.1534G>A, p.Glu512Lys (NM_001354729.2); short protein forms E325K, E512K, E518K.
Identifiers: ClinVar variation 3342986 (VCV003342986.1).
Genomic context (GRCh38, chr3:14,158,331, plus strand): 5'-GCTCACAGAACACCTCTAGCCACTGGTCTATACCAGCTATGCTTCTTTTTTCTGCCTTCT[C>T]ACCATCGCTGCACATTTTCTTGCCTCTTTTACTGCTTGAAGAGCTTGAGGATGCCGCTGG-3'
Protein context (NP_004619.3, residues 508-528): KRGKKMCSDG[Glu518Lys]KAEKRSIAGI

ClinVar aggregate classification (germline): Uncertain significance (1 of 4 stars; one submission).

gnomAD v4.1: 34 of 1,613,892 alleles (0.0021%); highest among the groups gnomAD compares: African/African-American, 0.043%; no homozygotes.

Submission:

GeneDx
Classification: Uncertain significance. Last evaluated: 2023-04-05. Review status: criteria provided, single submitter. Criteria: GeneDx Variant Classification Process June 2021. Collection method: clinical testing. Allele origin: germline. Affected: yes.
Comment: In silico analysis supports that this missense variant does not alter protein structure/function; Has not been previously published as pathogenic or benign to our knowledge